The following is an entry in ClinVar:

NM_032517.6(LYZL1):c.216T>C (p.Tyr72=)

Gene: LYZL1 (lysozyme like 1; plus strand). Cytogenetic location: 10p12.1.
Variant type: single nucleotide variant.
Coding change: c.216T>C on transcript NM_032517.6 (MANE Select); coding-DNA position 216, T replaced by C.
Protein change: p.Tyr72=; no amino-acid change (tyrosine 72 retained).
Molecular consequence: synonymous variant.
Genome position (GRCh38, 1-based): chr10:29,292,595, T>C. VCF-style: chr10-29292595-T-C. GRCh37 (hg19) VCF-style: chr10-29581524-T-C.
Identifiers: ClinVar variation 2640387 (VCV002640387.24), dbSNP rs146064727, ClinGen allele CA5455650.

ClinVar aggregate classification (germline): Likely benign (1 of 4 stars; one submission).

Allele frequency attached by ClinVar (database versions not stated): gnomAD 0.00050; TOPMed 0.00057; 1000 Genomes Project 0.00060; gnomAD exomes 0.00061; ESP Exome Variant Server 0.00062; ExAC 0.00069; 1000 Genomes Project 30x 0.00078.
gnomAD v4.1: 988 of 1,614,106 alleles (0.061%); highest among the groups gnomAD compares: Middle Eastern, 0.31%; 6 homozygotes.

Submission:

CeGaT Center for Human Genetics Tuebingen
Classification: Likely benign. Last evaluated: 2022-08-01. Review status: criteria provided, single submitter. Criteria: CeGaT Center For Human Genetics Tuebingen Variant Classification Criteria Version 2. Collection method: clinical testing. Allele origin: germline. Affected: yes. Observed: 1 variant allele.
Comment: LYZL1: BP4, BP7